The following is an entry in ClinVar:

NM_001458.5(FLNC):c.6533T>C (p.Phe2178Ser)

Genes: FLNC (filamin C; plus strand), FLNC-AS1 (FLNC antisense RNA 1; minus strand). Cytogenetic location: 7q32.1.
Variant type: single nucleotide variant.
Coding change: c.6533T>C on transcript NM_001458.5 (MANE Select); coding-DNA position 6533, T replaced by C.
Protein change: p.Phe2178Ser; replaces phenylalanine 2178 with serine.
Molecular consequence: missense variant.
Genome position (GRCh38, 1-based): chr7:128,854,022, T>C. VCF-style: chr7-128854022-T-C. GRCh37 (hg19) VCF-style: chr7-128494076-T-C.
Other names: c.6434T>C, p.Phe2145Ser (NM_001127487.2); short protein forms F2178S, F2145S.
Identifiers: ClinVar variation 539391 (VCV000539391.9), dbSNP rs1554401204, ClinGen allele CA369212763.
Genomic context (GRCh38, chr7:128,854,022, plus strand): 5'-TTGACCACACAGGAAACTGGTTCCAGATGGTGTCTGCCCAGGAGCGCCTGACACGCACCT[T>C]CACACGCAGCAGCCACACCTACACCCGCACGGAGCGCACGGAGATCAGCAAGACGCGGGG-3'
Protein context (NP_001449.3, residues 2168-2188): VSAQERLTRT[Phe2178Ser]TRSSHTYTRT

ClinVar aggregate classification (germline): Uncertain significance (1 of 4 stars; one submission).

Conditions:
Distal myopathy with posterior leg and anterior hand involvement. Also called: WILLIAMS DISTAL MYOPATHY. Identifiers: Orphanet 63273, MedGen C3279722, MONDO:0013550, OMIM 614065.
Myofibrillar myopathy 5. Also called: Filaminopathy (type); FILAMINOPATHY, AUTOSOMAL DOMINANT. Identifiers: Orphanet 171445, MedGen C1836050, MONDO:0012289, OMIM 609524.
Hypertrophic cardiomyopathy 26. Also called: Cardiomyopathy, familial hypertrophic, 26. Identifiers: Orphanet 75249, MedGen C4310749, MONDO:0014883, OMIM 617047.

Allele frequency attached by ClinVar (database versions not stated): gnomAD exomes below 0.00001.
gnomAD v4.1: 2 of 1,613,108 alleles (0.00012%); highest among the groups gnomAD compares: East Asian, 0.0045%; no homozygotes.

Submission:

Labcorp Genetics (formerly Invitae), Labcorp
Classification: Uncertain significance for Distal myopathy with posterior leg and anterior hand involvement; Myofibrillar myopathy 5; Hypertrophic cardiomyopathy 26. Last evaluated: 2017-12-23. Review status: criteria provided, single submitter. Criteria: Invitae Variant Classification Sherloc (09022015). Collection method: clinical testing. Allele origin: germline.
Comment: In summary, the available evidence is currently insufficient to determine the role of this variant in disease. Therefore, it has been classified as a Variant of Uncertain Significance. Algorithms developed to predict the effect of missense changes on protein structure and function do not agree on the potential impact of this missense change (SIFT: "Deleterious"; PolyPhen-2: "Benign"; Align-GVGD: "Class C0"). This variant has not been reported in the literature in individuals with FLNC-related disease. This variant is not present in population databases (ExAC no frequency). This sequence change replaces phenylalanine with serine at codon 2178 of the FLNC protein (p.Phe2178Ser). The phenylalanine residue is moderately conserved and there is a large physicochemical difference between phenylalanine and serine.